The following is an entry in ClinVar:

NM_016373.4(WWOX):c.1196C>T (p.Ala399Val)

Genes: MAF (MAF bZIP transcription factor; minus strand), WWOX (WW domain containing oxidoreductase; plus strand). Cytogenetic location: 16q23.2.
Variant type: single nucleotide variant.
Coding change: c.1196C>T on transcript NM_016373.4 (MANE Select); coding-DNA position 1196, C replaced by T.
Protein change: p.Ala399Val; replaces alanine 399 with valine.
Molecular consequence: missense variant.
Genome position (GRCh38, 1-based): chr16:79,211,747, C>T. VCF-style: chr16-79211747-C-T. GRCh37 (hg19) VCF-style: chr16-79245644-C-T.
Other names: c.857C>T, p.Ala286Val (NM_001291997.2); short protein forms A399V, A286V.
Identifiers: ClinVar variation 586943 (VCV000586943.50), dbSNP rs200815431, ClinGen allele CA8183786.

ClinVar aggregate classification (germline): Uncertain significance. Review status: criteria provided, multiple submitters, no conflicts (2 of 4 stars). 5 submissions from 5 submitters: Uncertain significance (5). Last evaluated 2025-01-31.

Conditions:
Autosomal recessive spinocerebellar ataxia 12. Also called: SPINOCEREBELLAR ATAXIA WITH MENTAL RETARDATION AND EPILEPSY. Identifiers: Orphanet 284282, MedGen C3280452, MONDO:0013687, OMIM 614322.
Developmental and epileptic encephalopathy, 1 (DEE1). Also called: X-linked infantile spasms; West's syndrome; Tonic spasms with clustering, arrest of psychomotor development and hypsarrhythmia on EEG; X-Linked Infantile Spasm Syndrome; INFANTILE SPASM SYNDROME, X-LINKED 1; Epileptic encephalopathy, early infantile, 1. Identifiers: MedGen C3463992, MONDO:0010632, OMIM 308350. Disease mechanism: loss of function.
Inborn genetic diseases. Identifiers: MedGen C0950123, MeSH D030342.

Allele frequency attached by ClinVar (database versions not stated): 1000 Genomes Project 0.00020; gnomAD exomes 0.00020; ExAC 0.00023; gnomAD 0.00031 and 0.00032; ESP Exome Variant Server 0.00033; TOPMed 0.00037; 1000 Genomes Project 30x 0.00078.
gnomAD v4.1: 210 of 1,614,178 alleles (0.013%); highest among the groups gnomAD compares: African/African-American, 0.076%; no homozygotes.

Submissions (5):

GeneDx
Classification: Uncertain significance. Last evaluated: 2025-01-31. Review status: criteria provided, single submitter. Criteria: GeneDx Variant Classification Process June 2021. Collection method: clinical testing. Allele origin: germline. Affected: yes.
Comment: In silico analysis indicates that this missense variant does not alter protein structure/function; Has not been previously published as pathogenic or benign in association with neurodevelopmental disorders to our knowledge; This variant is associated with the following publications: (PMID: 24932569)

Labcorp Genetics (formerly Invitae), Labcorp
Classification: Uncertain significance for Developmental and epileptic encephalopathy, 1; Autosomal recessive spinocerebellar ataxia 12. Last evaluated: 2022-10-17. Review status: criteria provided, single submitter. Criteria: Invitae Variant Classification Sherloc (09022015). Collection method: clinical testing. Allele origin: germline.
Comment: This sequence change replaces alanine, which is neutral and non-polar, with valine, which is neutral and non-polar, at codon 399 of the WWOX protein (p.Ala399Val). This variant is present in population databases (rs200815431, gnomAD 0.08%). This variant has not been reported in the literature in individuals affected with WWOX-related conditions. ClinVar contains an entry for this variant (Variation ID: 586943). Advanced modeling of protein sequence and biophysical properties (such as structural, functional, and spatial information, amino acid conservation, physicochemical variation, residue mobility, and thermodynamic stability) performed at Invitae indicates that this missense variant is not expected to disrupt WWOX protein function. In summary, the available evidence is currently insufficient to determine the role of this variant in disease. Therefore, it has been classified as a Variant of Uncertain Significance.

Ambry Genetics
Classification: Uncertain significance for Inborn genetic diseases. Last evaluated: 2021-04-01. Review status: criteria provided, single submitter. Criteria: Ambry Variant Classification Scheme 2023. Collection method: clinical testing. Allele origin: germline.

CeGaT Center for Human Genetics Tuebingen
Classification: Uncertain significance. Last evaluated: 2020-09-01. Review status: criteria provided, single submitter. Criteria: CeGaT Center For Human Genetics Tuebingen Variant Classification Criteria Version 2. Collection method: clinical testing. Allele origin: germline. Affected: yes. Observed: 1 variant allele.

Athena Diagnostics
Classification: Uncertain significance. Last evaluated: 2018-01-26. Review status: criteria provided, single submitter. Criteria: Athena Diagnostics Criteria. Collection method: clinical testing. Allele origin: germline.